The following is an entry in ClinVar:

NM_000540.3(RYR1):c.14472G>A (p.Leu4824=)

Gene: RYR1 (ryanodine receptor 1; plus strand). Cytogenetic location: 19q13.2.
Variant type: single nucleotide variant.
Coding change: c.14472G>A on transcript NM_000540.3 (MANE Select); coding-DNA position 14472, G replaced by A.
Protein change: p.Leu4824=; no amino-acid change (leucine 4824 retained).
Molecular consequence: synonymous variant.
Genome position (GRCh38, 1-based): chr19:38,580,089, G>A. VCF-style: chr19-38580089-G-A. GRCh37 (hg19) VCF-style: chr19-39070729-G-A.
Other names: c.14457G>A, p.Leu4819= (NM_001042723.2).
Identifiers: ClinVar variation 3072136 (VCV003072136.2), dbSNP rs1974130560, ClinGen allele CA081230.

ClinVar aggregate classification (germline): Likely benign. Review status: criteria provided, multiple submitters, no conflicts (2 of 4 stars). 3 submissions from 3 submitters: Likely benign (3). Last evaluated 2025-08-17.

Conditions:
RYR1-related disorder. Also called: RYR1-related condition; RYR1-related disorders. Identifiers: MedGen CN239331.
Malignant hyperthermia, susceptibility to, 1 (MHS1). Also called: Anesthesia related hyperthermia; Malignant hyperpyrexia; Fulminating hyperpyrexia; Pharmacogenic myopathy; RYR1-Related Malignant Hyperthermia Susceptibility; Malignant hyperthermia suceptibility 1. Identifiers: Orphanet 423, MedGen C2930980, MONDO:0007783, OMIM 145600.

Allele frequency attached by ClinVar (database versions not stated): gnomAD 0.00001.
gnomAD v4.1: 1 of 1,614,074 alleles (0.000062%); highest among the groups gnomAD compares: African/African-American, 0.0013%; no homozygotes.

Submissions (3):

Labcorp Genetics (formerly Invitae), Labcorp
Classification: Likely benign for RYR1-related disorder. Last evaluated: 2025-08-17. Review status: criteria provided, single submitter. Criteria: Invitae Variant Classification Sherloc (09022015). Collection method: clinical testing. Allele origin: germline.

All of Us Research Program, National Institutes of Health
Classification: Likely benign for Malignant hyperthermia, susceptibility to, 1. Last evaluated: 2023-06-26. Review status: criteria provided, single submitter. Criteria: ACMG Guidelines, 2015. Collection method: clinical testing. Allele origin: germline. Inheritance: Autosomal dominant inheritance. Observed: 1 variant allele, 1 heterozygote.
Comment: This study involves interpretation of variants in research participants for the purpose of population health screening. Participant phenotype was not available at the time of variant classification. Additional details can be found in publication PMID: 35346344, PMCID: PMC8962531

Color Diagnostics, LLC DBA Color Health
Classification: Likely benign for Malignant hyperthermia, susceptibility to, 1. Last evaluated: 2023-06-21. Review status: criteria provided, single submitter. Criteria: ACMG Guidelines, 2015. Collection method: clinical testing. Allele origin: germline.